The following is an entry in ClinVar:

NM_002354.3(EPCAM):c.823G>C (p.Val275Leu)

Gene: EPCAM (epithelial cell adhesion molecule; plus strand). Cytogenetic location: 2p21.
Variant type: single nucleotide variant.
Coding change: c.823G>C on transcript NM_002354.3 (MANE Select); coding-DNA position 823, G replaced by C.
Protein change: p.Val275Leu; replaces valine 275 with leucine.
Molecular consequence: missense variant.
Genome position (GRCh38, 1-based): chr2:47,379,934, G>C. VCF-style: chr2-47379934-G-C. GRCh37 (hg19) VCF-style: chr2-47607073-G-C.
Other names: short protein forms V275L.
Identifiers: ClinVar variation 1762583 (VCV001762583.2), dbSNP rs1258418235, ClinGen allele CA346724894.

ClinVar aggregate classification (germline): Uncertain significance (1 of 4 stars; one submission).

Conditions:
Hereditary cancer-predisposing syndrome. Also called: Neoplastic Syndromes, Hereditary; Tumor predisposition; Hereditary Cancer Syndrome; Hereditary neoplastic syndrome. Identifiers: Orphanet 140162, MedGen C0027672, MeSH D009386, MONDO:0015356.

Allele frequency attached by ClinVar (database versions not stated): gnomAD exomes below 0.00001.
gnomAD v4.1: 1 of 1,613,866 alleles (0.000062%); highest among the groups gnomAD compares: Non-Finnish European, 0.000085%; no homozygotes.

Submission:

Ambry Genetics
Classification: Uncertain significance for Hereditary cancer-predisposing syndrome. Last evaluated: 2022-07-17. Review status: criteria provided, single submitter. Criteria: Ambry Variant Classification Scheme 2023. Collection method: clinical testing. Allele origin: germline.
Comment: The p.V275L variant (also known as c.823G>C), located in coding exon 7 of the EPCAM gene, results from a G to C substitution at nucleotide position 823. The valine at codon 275 is replaced by leucine, an amino acid with highly similar properties. This amino acid position is conserved. In addition, the in silico prediction for this alteration is inconclusive. Since supporting evidence is limited at this time, the clinical significance of this alteration remains unclear.